The following is an entry in ClinVar:

NM_138477.4(CDAN1):c.386G>A (p.Arg129His)

Genes: CDAN1 (codanin 1; minus strand), LOC130056931 (ATAC-STARR-seq lymphoblastoid silent region 6376; plus strand). Cytogenetic location: 15q15.2.
Variant type: single nucleotide variant.
Coding change: c.386G>A on transcript NM_138477.4 (MANE Select); coding-DNA position 386, G replaced by A.
Protein change: p.Arg129His; replaces arginine 129 with histidine.
Molecular consequence: missense variant.
Genome position (GRCh38, 1-based): chr15:42,736,485, C>T on the plus strand (G>A on the coding strand, the complement: CDAN1 is on the minus strand). VCF-style: chr15-42736485-C-T. GRCh37 (hg19) VCF-style: chr15-43028683-C-T.
Other names: p.Arg129His; c.386G>A, p.Arg129His (LRG_1164t1); short protein forms R129H.
Identifiers: ClinVar variation 21752 (VCV000021752.29), dbSNP rs12441516, ClinGen allele CA342456.

ClinVar aggregate classification (germline): Benign/Likely benign. Review status: criteria provided, multiple submitters, no conflicts (2 of 4 stars). 5 submissions from 5 submitters: Benign (2); Likely benign (3). Last evaluated 2026-02-04.

Conditions:
Anemia, congenital dyserythropoietic, type 1a (CDAN1A). Also called: CDAN1-Related Congenital Dyserythropoietic Anemia; DYSERYTHROPOIETIC ANEMIA, CONGENITAL, TYPE Ia. Identifiers: MedGen C5574667, MONDO:0009135, OMIM 224120.
Congenital dyserythropoietic anemia, type I. Also called: Dyserythropoietic anemia, congenital type 1. Identifiers: Orphanet 98869, MedGen C0271933, MONDO:0020337. Disease mechanism: loss of function.

Allele frequency attached by ClinVar (database versions not stated): gnomAD 0.00155; ExAC 0.00198; TOPMed 0.00311; 1000 Genomes Project 30x 0.00406; 1000 Genomes Project 0.00459.

Submissions (5):

Labcorp Genetics (formerly Invitae), Labcorp
Classification: Benign. Last evaluated: 2026-02-04. Review status: criteria provided, single submitter. Criteria: Invitae Variant Classification Sherloc (09022015). Collection method: clinical testing. Allele origin: germline.

ARUP Laboratories, Molecular Genetics and Genomics, ARUP Laboratories
Classification: Benign for Anemia, congenital dyserythropoietic, type 1a. Last evaluated: 2025-05-23. Review status: criteria provided, single submitter. Criteria: ARUP Molecular Germline Variant Investigation Process 2024. Collection method: clinical testing. Allele origin: germline.

Mayo Clinic Laboratories, Mayo Clinic
Classification: Likely benign. Last evaluated: 2024-10-15. Review status: criteria provided, single submitter. Criteria: ACMG Guidelines, 2015. Collection method: clinical testing. Allele origin: germline. Observed: 25 variant alleles.

Illumina Laboratory Services, Illumina
Classification: Likely benign for Anemia, congenital dyserythropoietic, type 1a. Last evaluated: 2017-04-28. Review status: criteria provided, single submitter. Criteria: ICSL Variant Classification Criteria 13 December 2019. Collection method: clinical testing. Allele origin: germline.
Comment: This variant was observed as part of a predisposition screen in an ostensibly healthy population. A literature search was performed for the gene, cDNA change, and amino acid change (where applicable). Publications were found based on this search. The evidence from the literature, in combination with allele frequency data from public databases where available, was sufficient to determine this variant is unlikely to cause disease. Therefore, this variant is classified as likely benign.

Breakthrough Genomics
Classification: Likely benign. Review status: criteria provided, single submitter. Criteria: ACMG Guidelines, 2015. Collection method: not provided. Allele origin: germline. Inheritance: Autosomal recessive inheritance. Affected: yes.

Literature cited by the submitters: PubMed 20301759 (cited by Illumina Laboratory Services, Illumina).